The following is an entry in ClinVar:

NM_001363711.2(DUOX2):c.4211C>T (p.Ser1404Phe)

Gene: DUOX2 (dual oxidase 2; minus strand). Cytogenetic location: 15q21.1.
Variant type: single nucleotide variant.
Coding change: c.4211C>T on transcript NM_001363711.2 (MANE Select); coding-DNA position 4211, C replaced by T.
Protein change: p.Ser1404Phe; replaces serine 1404 with phenylalanine.
Molecular consequence: missense variant.
Genome position (GRCh38, 1-based): chr15:45,095,465, G>A on the plus strand (C>T on the coding strand, the complement: DUOX2 is on the minus strand). VCF-style: chr15-45095465-G-A. GRCh37 (hg19) VCF-style: chr15-45387663-G-A.
Other names: c.4211C>T, p.Ser1404Phe (NM_014080.5); short protein forms S1404F.
Identifiers: ClinVar variation 3623321 (VCV003623321.2).

ClinVar aggregate classification (germline): Uncertain significance (1 of 4 stars; one submission).

gnomAD v4.1: 6 of 1,614,134 alleles (0.00037%); highest among the groups gnomAD compares: Non-Finnish European, 0.00051%; no homozygotes.

Submission:

Labcorp Genetics (formerly Invitae), Labcorp
Classification: Uncertain significance. Last evaluated: 2024-10-09. Review status: criteria provided, single submitter. Criteria: Invitae Variant Classification Sherloc (09022015). Collection method: clinical testing. Allele origin: germline.
Comment: This sequence change replaces serine, which is neutral and polar, with phenylalanine, which is neutral and non-polar, at codon 1404 of the DUOX2 protein (p.Ser1404Phe). This variant is not present in population databases (gnomAD no frequency). This variant has not been reported in the literature in individuals affected with DUOX2-related conditions. Invitae Evidence Modeling of protein sequence and biophysical properties (such as structural, functional, and spatial information, amino acid conservation, physicochemical variation, residue mobility, and thermodynamic stability) indicates that this missense variant is expected to disrupt DUOX2 protein function with a positive predictive value of 80%. In summary, the available evidence is currently insufficient to determine the role of this variant in disease. Therefore, it has been classified as a Variant of Uncertain Significance.